The following is an entry in ClinVar:

ClinVar aggregate classification (germline): Conflicting classifications of pathogenicity. Review status: criteria provided, conflicting classifications (1 of 4 stars). 2 submissions from 2 submitters: Uncertain significance (1); Likely benign (1). Last evaluated 2025-12-17.

Conditions:
Dyskeratosis congenita. Identifiers: Orphanet 1775, MedGen C0265965, MONDO:0015780.

Allele frequency attached by ClinVar (database versions not stated): gnomAD exomes below 0.00001; TOPMed below 0.00001.
gnomAD v4.1: 4 of 1,614,150 alleles (0.00025%); highest among the groups gnomAD compares: African/African-American, 0.0013%; no homozygotes.

Submissions (2):

Mayo Clinic Laboratories, Mayo Clinic
Classification: Likely benign. Last evaluated: 2025-12-17. Review status: criteria provided, single submitter. Criteria: ACMG Guidelines, 2015. Collection method: clinical testing. Allele origin: germline. Observed: 1 variant allele.
Comment: BP4, BP7, PM2_supporting

Labcorp Genetics (formerly Invitae), Labcorp
Classification: Uncertain significance for Dyskeratosis congenita. Last evaluated: 2022-10-24. Review status: criteria provided, single submitter. Criteria: Invitae Variant Classification Sherloc (09022015). Collection method: clinical testing. Allele origin: germline.
Comment: In summary, the available evidence is currently insufficient to determine the role of this variant in disease. Therefore, it has been classified as a Variant of Uncertain Significance. Algorithms developed to predict the effect of sequence changes on RNA splicing suggest that this variant may disrupt the consensus splice site. This variant has not been reported in the literature in individuals affected with CTC1-related conditions. This variant is not present in population databases (gnomAD no frequency). This sequence change affects codon 1117 of the CTC1 mRNA. It is a 'silent' change, meaning that it does not change the encoded amino acid sequence of the CTC1 protein.

NM_025099.6(CTC1):c.3351G>A (p.Val1117=)

Gene: CTC1 (CST telomere replication complex component 1; minus strand). Cytogenetic location: 17p13.1.
Variant type: single nucleotide variant.
Coding change: c.3351G>A on transcript NM_025099.6 (MANE Select); coding-DNA position 3351, G replaced by A.
Protein change: p.Val1117=; no amino-acid change (valine 1117 retained).
Molecular consequence: synonymous variant. On other transcripts: non-coding transcript variant (1), intron variant (1).
Genome position (GRCh38, 1-based): chr17:8,228,763, C>T on the plus strand (G>A on the coding strand, the complement: CTC1 is on the minus strand). VCF-style: chr17-8228763-C-T. GRCh37 (hg19) VCF-style: chr17-8132081-C-T.
Other names: p.Val1117=; c.3157-134G>A (NM_001411067.1).
Identifiers: ClinVar variation 2182793 (VCV002182793.5), dbSNP rs1986947659, ClinGen allele CA497958436.